The following is an entry in ClinVar:

ClinVar aggregate classification (germline): Pathogenic. Review status: criteria provided, multiple submitters, no conflicts (2 of 4 stars). 15 submissions from 15 submitters: Pathogenic (12). 3 of the submissions do not count toward it. Last evaluated 2026-06-23.

Conditions:
FGFR3-related disorder. Also called: FGFR3-related disorders.
Hypochondroplasia (HCH). Identifiers: Orphanet 429, MedGen C0410529, MONDO:0007793, OMIM 146000. Disease mechanism: gain of function.
Achondroplasia (ACH). Also called: Achondroplastic dwarfism. Identifiers: Orphanet 15, MedGen C0001080, MONDO:0007037, OMIM 100800. Disease mechanism: gain of function.
FGFR3-related chondrodysplasia. Identifiers: Orphanet 93420, MedGen C5681604, MONDO:0019685.

gnomAD v4.1: 1 of 1,613,160 alleles (0.000062%); highest among the groups gnomAD compares: Non-Finnish European, 0.000085%; no homozygotes.

Submissions 1 to 10 of 15:

Genomenon, Inc
Classification: Pathogenic for FGFR3-related chondrodysplasia. Last evaluated: 2026-06-23. Review status: criteria provided, single submitter. Criteria: Genomenon Sequence Variant Interpretation Standards - Updated. Collection method: curation. Allele origin: germline. Affected: yes.
Comment: FGFR3 p.Gly380Arg (c.1138G>C) is a missense variant that changes the amino acid at codon 380 from Glycine to Arginine. This variant has been observed in at least one proband with an FGFR3-related disorder (PMID:25691418;25614871). At least one functional study has demonstrated a substantial alteration in protein function relative to the wild-type (PMID:8754806;23056398). Another cDNA change that causes the same protein consequence has been determined to be pathogenic. This variant is absent or not present at a significant frequency in gnomAD. In silico models predict that this variant is possibly or probably damaging. In conclusion, we classify FGFR3 p.Gly380Arg (c.1138G>C) as a pathogenic variant.

Labcorp Genetics (formerly Invitae), Labcorp
Classification: Pathogenic. Last evaluated: 2025-12-22. Review status: criteria provided, single submitter. Criteria: Invitae Variant Classification Sherloc (09022015). Collection method: clinical testing. Allele origin: germline.
Comment: This sequence change replaces glycine, which is neutral and non-polar, with arginine, which is basic and polar, at codon 380 of the FGFR3 protein (p.Gly380Arg). This variant is not present in population databases (gnomAD no frequency). This missense change has been observed in individuals with achondroplasia (PMID: 8723101, 21739570, 22045636, 22339077, 25614871, 25691418). ClinVar contains an entry for this variant (Variation ID: 16328). Invitae Evidence Modeling incorporating data from in vitro experimental studies (internal data) indicates that this missense variant is expected to disrupt FGFR3 function with a positive predictive value of 95%. For these reasons, this variant has been classified as Pathogenic.

GeneDx
Classification: Pathogenic. Last evaluated: 2025-03-17. Review status: criteria provided, single submitter. Criteria: GeneDx Variant Classification Process June 2021. Collection method: clinical testing. Allele origin: germline. Affected: yes.
Comment: More than 99% of cases of achondroplasia are caused by this variant and another point mutation (c.1138 G>A) resulting in arginine-for-glycine substitutions in amino acid 380 of the gene (PMID: 22045636, 7913883); Not observed at significant frequency in large population cohorts (gnomAD); In silico analysis indicates that this missense variant does not alter protein structure/function; This variant is associated with the following publications: (PMID: 33370388, 31566912, 33368972, 28679403, 8078586, 8723101, 33511985, 25614871, 17683901, 25691418, 9857065, 23056398, 19088846, 28230213, 29593476, 21739570, 22339077, 22325359, 28181399, 30160829, 30138938, 34672771, 36352425, 36923788, 38702915, 29542187, 22045636, 7913883)

3billion
Classification: Pathogenic for Achondroplasia. Last evaluated: 2022-09-01. Review status: criteria provided, single submitter. Criteria: ACMG Guidelines, 2015. Collection method: clinical testing. Allele origin: germline. Affected: yes. Observed: 1 heterozygote.
Comment: The variant is not observed in the gnomAD v2.1.1 dataset. Missense changes are a common disease-causing mechanism. In silico tool predictions suggest damaging effect of the variant on gene or gene product (REVEL: 0.71; 3Cnet: 0.92). Same nucleotide change resulting in same amino acid change has been previously reported as pathogenic/likely pathogenic with strong evidence (ClinVar ID: VCV000016328). The variant has been observed in multiple (>3) similarly affected unrelated individuals (PMID: 25614871). A different missense change at the same codon (p.Gly380Lys) has been reported to be associated with FGFR3-related disorder (PMID: 17256796). Therefore, this variant is classified as Pathogenic according to the recommendation of ACMG/AMP guideline.

Victorian Clinical Genetics Services, Murdoch Childrens Research Institute
Classification: Pathogenic for Achondroplasia. Last evaluated: 2021-05-06. Review status: criteria provided, single submitter. Criteria: ACMG Guidelines, 2015. Collection method: clinical testing. Allele origin: germline. Inheritance: Autosomal dominant inheritance.
Comment: Based on the classification scheme VCGS_Germline_v1.3.4, this variant is classified as Pathogenic. Following criteria are met: 0103 - Gain of function is a known mechanism of disease in this gene and are associated with skeletal dysplasias (MIM#146000, #100800, #187600, #187601; PMID: 17320202). Loss of function and dominant negative mechanisms have been proposed to cause autosomal recessive and dominant CATSHL syndrome, respectively (MIM#610474; PMID: 17033969, 24864036). (I) 0108 - This gene is associated with both recessive and dominant disease. Although predominantly associated with dominant disease, at least one family has been described with autosomal recessive CATSHL syndrome (PMID: 24864036). (I) 0115 - Variants in this gene are known to have variable expressivity. Variants typically associated with achondroplasia have also been reported in individuals with hypochondroplasia (PMID: 25614871). (I) 0200 - Variant is predicted to result in a missense amino acid change from glycine to arginine. (I) 0251 - This variant is heterozygous. (I) 0301 - Variant is absent from gnomAD (both v2 and v3). (SP) 0501 - Missense variant consistently predicted to be damaging by multiple in silico tools or highly conserved with a major amino acid change. (SP) 0600 - Variant is located in the annotated transmembrane domain (UniProt). (I) 0801 - This variant has strong previous evidence of pathogenicity in unrelated individuals. The variants c.1138G>A and c.1138G>C, both resulting in the missense change p.(Gly380Arg), are commonly reported pathogenic and account for approximately 90% of achondroplasia cases with variants in this gene (ClinVar, PMID: 25614871). (SP) Legend: (SP) - Supporting pathogenic, (I) - Information, (SB) - Supporting benign

ARUP Laboratories, Molecular Genetics and Genomics, ARUP Laboratories
Classification: Pathogenic. Last evaluated: 2021-04-28. Review status: criteria provided, single submitter. Criteria: ARUP Molecular Germline Variant Investigation Process 2021. Collection method: clinical testing. Allele origin: germline.
Comment: The FGFR3 c.1138G>C; p.Gly380Arg variant (rs28931614) is a common pathogenic variant observed in individuals affected with achondroplasia (Rousseau 1994, Xue 2014). This variant is absent from general population databases (Exome Variant Server, Genome Aggregation Database), indicating it is not a common polymorphism. Functional characterization of the variant protein suggests it causes ligand-independent phosphorylation of ERK and reduced proliferation of chondrocytes (Krejci 2008). A mouse model expressing the p.Gly380Arg variant recapitulates skeletal alterations observed in human achondroplasia patients (Lee 2017). Additionally, another variant at this codon causing the same amino substitution (c.1138G>A; p.Gly380Arg) is commonly reported in individuals with achondroplasia and is considered pathogenic (Rousseau 1994, Xue 2014). Based on available information, the c.1138G>C; p.Gly380Arg variant is considered to be pathogenic. References: Krejci P et al. Analysis of STAT1 activation by six FGFR3 mutants associated with skeletal dysplasia undermines dominant role of STAT1 in FGFR3 signaling in cartilage. PLoS One. 2008;3(12):e3961.. PMID: 19088846. Lee YC et al. Knock-in human FGFR3 achondroplasia mutation as a mouse model for human skeletal dysplasia. Sci Rep. 2017 Feb 23;7:43220. PMID: 28230213. Rousseau F et al. Mutations in the gene encoding fibroblast growth factor receptor-3 in achondroplasia. Nature. 1994 Sep 15;371(6494):252-4. PMID: 8078586. Xue Y et al. FGFR3 mutation frequency in 324 cases from the International Skeletal Dysplasia Registry. Mol Genet Genomic Med. 2014 Nov;2(6):497-503. PMID: 25614871.

Revvity Omics, Revvity
Classification: Pathogenic. Last evaluated: 2021-04-02. Review status: criteria provided, single submitter. Criteria: ACMG Guidelines, 2015. Collection method: clinical testing. Allele origin: germline.

Blueprint Genetics
Classification: Pathogenic for FGFR3-related disorders. Last evaluated: 2020-07-23. Review status: criteria provided, single submitter. Criteria: ACMG Guidelines, 2015. Collection method: clinical testing. Allele origin: germline. Affected: yes. Observed: 5 variant alleles.

Mendelics
Classification: Pathogenic for Hypochondroplasia. Last evaluated: 2019-05-28. Review status: criteria provided, single submitter. Criteria: Mendelics Assertion Criteria 2017. Collection method: clinical testing. Allele origin: unknown.

Eurofins Ntd Llc (ga)
Classification: Pathogenic. Last evaluated: 2017-02-21. Review status: criteria provided, single submitter. Criteria: EGL Classification Definitions 2015. Collection method: clinical testing. Allele origin: germline. Observed: 1 variant allele, 1 heterozygote.

NM_000142.5(FGFR3):c.1138G>C (p.Gly380Arg)

Gene: FGFR3 (fibroblast growth factor receptor 3; plus strand). Cytogenetic location: 4p16.3.
Variant type: single nucleotide variant.
Coding change: c.1138G>C on transcript NM_000142.5 (MANE Select); coding-DNA position 1138, G replaced by C.
Protein change: p.Gly380Arg; replaces glycine 380 with arginine.
Molecular consequence: missense variant. On other transcripts: non-coding transcript variant (1), intron variant (1).
Genome position (GRCh38, 1-based): chr4:1,804,392, G>C. VCF-style: chr4-1804392-G-C. GRCh37 (hg19) VCF-style: chr4-1806119-G-C.
Other names: FGFR3, GLY380ARG, 1138G-C; c.1144G>C, p.Gly382Arg (NM_001163213.2); c.1138G>C, p.Gly380Arg (NM_001354809.2, NM_001354810.2); c.931-432G>C (NM_022965.4); short protein forms G380R, G382R.
Identifiers: ClinVar variation 16328 (VCV000016328.67), dbSNP rs28931614, ClinGen allele CA280218.